The following is an entry in ClinVar:

ClinVar aggregate classification (germline): Uncertain significance (1 of 4 stars; one submission).

Conditions:
Von Hippel-Lindau syndrome (VHLS). Also called: von Hippel–Lindau syndrome; VHL syndrome; Von Hippel-Lindau. Identifiers: Orphanet 892, MedGen C0019562, MONDO:0008667, OMIM 193300. Disease mechanism: loss of function.

Submission:

Color Diagnostics, LLC DBA Color Health
Classification: Uncertain significance for Von Hippel-Lindau syndrome. Last evaluated: 2025-07-16. Review status: criteria provided, single submitter. Criteria: ACMG Guidelines, 2015. Collection method: clinical testing. Allele origin: germline.
Comment: This missense variant replaces valine with leucine at codon 62 of the VHL protein. Computational prediction suggests that this variant may not impact protein structure and function. A functional study has shown the mutant protein to exhibit normal function (PMID: 38969834). This variant has not been reported in individuals affected with VHL-related disorders in the literature. This variant has not been identified in the general population by the Genome Aggregation Database (gnomAD). The available evidence is insufficient to determine the role of this variant in disease conclusively. Therefore, this variant is classified as a Variant of Uncertain Significance.

Literature cited by the submitters: PubMed 38969834.

NM_000551.4(VHL):c.184G>T (p.Val62Leu)

Gene: VHL (von Hippel-Lindau tumor suppressor; plus strand). Cytogenetic location: 3p25.3.
Variant type: single nucleotide variant.
Coding change: c.184G>T on transcript NM_000551.4 (MANE Select); coding-DNA position 184, G replaced by T.
Protein change: p.Val62Leu; replaces valine 62 with leucine.
Molecular consequence: missense variant. On other transcripts: non-coding transcript variant (1).
Genome position (GRCh38, 1-based): chr3:10,142,031, G>T. VCF-style: chr3-10142031-G-T. GRCh37 (hg19) VCF-style: chr3-10183715-G-T.
Other names: c.184G>T, p.Val62Leu (NM_001354723.2, NM_198156.3); short protein forms V62L.
Identifiers: ClinVar variation 4757485 (VCV004757485.1).
Genomic context (GRCh38, chr3:10,142,031, plus strand): 5'-GAGTCCGGCCCGGAGGAACTGGGCGCCGAGGAGGAGATGGAGGCCGGGCGGCCGCGGCCC[G>T]TGCTGCGCTCGGTGAACTCGCGCGAGCCCTCCCAGGTCATCTTCTGCAATCGCAGTCCGC-3'
Protein context (NP_000542.1, residues 52-72): EEMEAGRPRP[Val62Leu]LRSVNSREPS